The following is an entry in ClinVar:

NM_003119.4(SPG7):c.517G>A (p.Glu173Lys)

Gene: SPG7 (SPG7 matrix AAA peptidase subunit, paraplegin; plus strand). Cytogenetic location: 16q24.3.
Variant type: single nucleotide variant.
Coding change: c.517G>A on transcript NM_003119.4 (MANE Select); coding-DNA position 517, G replaced by A.
Protein change: p.Glu173Lys; replaces glutamic acid 173 with lysine.
Molecular consequence: missense variant.
Genome position (GRCh38, 1-based): chr16:89,524,146, G>A. VCF-style: chr16-89524146-G-A. GRCh37 (hg19) VCF-style: chr16-89590554-G-A.
Other names: c.517G>A, p.Glu173Lys (NM_001363850.1, NM_199367.3); short protein forms E173K.
Identifiers: ClinVar variation 888321 (VCV000888321.9), dbSNP rs577497147, ClinGen allele CA8243663.

ClinVar aggregate classification (germline): Uncertain significance. Review status: criteria provided, multiple submitters, no conflicts (2 of 4 stars). 2 submissions from 2 submitters: Uncertain significance (2). Last evaluated 2025-02-03.

Conditions:
Hereditary spastic paraplegia 7 (SPG7). Also called: SPG7-related neurologic disorder; Spastic paraplegia 7; Hereditary spastic paraplegia Paraplegin type; Autosomal recessive spastic paraplegia type 7; SPASTIC PARAPLEGIA 7, AUTOSOMAL RECESSIVE, WITH OR WITHOUT CEREBELLAR ATAXIA. Identifiers: Orphanet 99013, MedGen C1846564, MONDO:0011803, OMIM 607259.

Allele frequency attached by ClinVar (database versions not stated): gnomAD 0.00002 and 0.00004; gnomAD exomes 0.00002 and 0.00001; TOPMed 0.00002; ExAC 0.00003; 1000 Genomes Project 30x 0.00031; 1000 Genomes Project 0.00040.

Submissions (2):

Labcorp Genetics (formerly Invitae), Labcorp
Classification: Uncertain significance for Hereditary spastic paraplegia 7. Last evaluated: 2025-02-03. Review status: criteria provided, single submitter. Criteria: Invitae Variant Classification Sherloc (09022015). Collection method: clinical testing. Allele origin: germline.
Comment: This sequence change replaces glutamic acid, which is acidic and polar, with lysine, which is basic and polar, at codon 173 of the SPG7 protein (p.Glu173Lys). This variant is present in population databases (rs577497147, gnomAD 0.006%). This variant has not been reported in the literature in individuals affected with SPG7-related conditions. ClinVar contains an entry for this variant (Variation ID: 888321). Invitae Evidence Modeling of protein sequence and biophysical properties (such as structural, functional, and spatial information, amino acid conservation, physicochemical variation, residue mobility, and thermodynamic stability) indicates that this missense variant is not expected to disrupt SPG7 protein function with a negative predictive value of 80%. In summary, the available evidence is currently insufficient to determine the role of this variant in disease. Therefore, it has been classified as a Variant of Uncertain Significance.

Illumina Laboratory Services, Illumina
Classification: Uncertain significance for Hereditary spastic paraplegia 7. Last evaluated: 2018-01-13. Review status: criteria provided, single submitter. Criteria: ICSL Variant Classification Criteria 13 December 2019. Collection method: clinical testing. Allele origin: germline.